The following is an entry in ClinVar:

NM_006208.3(ENPP1):c.1522G>A (p.Glu508Lys)

Gene: ENPP1 (ectonucleotide pyrophosphatase/phosphodiesterase 1; plus strand). Cytogenetic location: 6q23.2.
Variant type: single nucleotide variant.
Coding change: c.1522G>A on transcript NM_006208.3 (MANE Select); coding-DNA position 1522, G replaced by A.
Protein change: p.Glu508Lys; replaces glutamic acid 508 with lysine.
Molecular consequence: missense variant.
Genome position (GRCh38, 1-based): chr6:131,873,007, G>A. VCF-style: chr6-131873007-G-A. GRCh37 (hg19) VCF-style: chr6-132194147-G-A.
Other names: short protein forms E508K.
Identifiers: ClinVar variation 3645862 (VCV003645862.2).

ClinVar aggregate classification (germline): Uncertain significance (1 of 4 stars; one submission).

Submission:

Labcorp Genetics (formerly Invitae), Labcorp
Classification: Uncertain significance. Last evaluated: 2024-03-13. Review status: criteria provided, single submitter. Criteria: Invitae Variant Classification Sherloc (09022015). Collection method: clinical testing. Allele origin: germline.
Comment: This sequence change replaces glutamic acid, which is acidic and polar, with lysine, which is basic and polar, at codon 508 of the ENPP1 protein (p.Glu508Lys). This variant is not present in population databases (gnomAD no frequency). This variant has not been reported in the literature in individuals affected with ENPP1-related conditions. Advanced modeling of protein sequence and biophysical properties (such as structural, functional, and spatial information, amino acid conservation, physicochemical variation, residue mobility, and thermodynamic stability) performed at Invitae indicates that this missense variant is expected to disrupt ENPP1 protein function with a positive predictive value of 80%. In summary, the available evidence is currently insufficient to determine the role of this variant in disease. Therefore, it has been classified as a Variant of Uncertain Significance.